The following is an entry in ClinVar:

ClinVar aggregate classification (germline): Likely pathogenic (1 of 4 stars; one submission).

Conditions:
Hypertrophic cardiomyopathy. Also called: HYPERTROPHIC MYOCARDIOPATHY. Identifiers: Orphanet 217569, MedGen C0007194, MeSH D002312, MONDO:0005045, HP:0001639.

Submission:

Labcorp Genetics (formerly Invitae), Labcorp
Classification: Likely pathogenic for Hypertrophic cardiomyopathy. Last evaluated: 2022-03-09. Review status: criteria provided, single submitter. Criteria: Invitae Variant Classification Sherloc (09022015). Collection method: clinical testing. Allele origin: germline.
Comment: In summary, the currently available evidence indicates that the variant is pathogenic, but additional data are needed to prove that conclusively. Therefore, this variant has been classified as Likely Pathogenic. Algorithms developed to predict the effect of sequence changes on RNA splicing suggest that this variant may disrupt the consensus splice site. ClinVar contains an entry for this variant (Variation ID: 1068427). This variant has not been reported in the literature in individuals affected with MYBPC3-related conditions. This variant is not present in population databases (gnomAD no frequency). This sequence change affects a splice site in intron 2 of the MYBPC3 gene. It is expected to disrupt RNA splicing. Variants that disrupt the donor or acceptor splice site typically lead to a loss of protein function (PMID: 16199547), and loss-of-function variants in MYBPC3 are known to be pathogenic (PMID: 19574547).

Literature cited by the submitters: PubMed 16199547; PubMed 19574547.

NM_000256.3(MYBPC3):c.292+1del

Gene: MYBPC3 (myosin binding protein C3; minus strand). Cytogenetic location: 11p11.2.
Variant type: Deletion.
Coding change: c.292+1del on transcript NM_000256.3 (MANE Select); the canonical splice donor site of the intron after coding-DNA position 292, one base deleted (G; older notation c.292+1delG).
Molecular consequence: splice donor variant.
Genome position (GRCh38, 1-based): chr11:47,351,238, C deleted on the plus strand (G on the coding strand, the reverse complement: MYBPC3 is on the minus strand); the first of 2 consecutive C bases (chr11:47,351,238-47,351,239); deleting either gives the same sequence. VCF-style (leftmost placement, unchanged base first): chr11-47351237-AC-A. GRCh37 (hg19) VCF-style: chr11-47372788-AC-A.
Identifiers: ClinVar variation 1068427 (VCV001068427.9), dbSNP rs2142869314, ClinGen allele CA2499220995.